The following is an entry in ClinVar:

ClinVar aggregate classification (germline): Uncertain significance (1 of 4 stars; one submission).

Conditions:
Ocular albinism, type I (OA1). Also called: NETTLESHIP-FALLS TYPE OCULAR ALBINISM; Ocular Albinism type 1; X-linked recessive ocular albinism; Ocular albinism, type I, Nettleship-Falls type. Identifiers: Orphanet 54, MedGen C0342684, MONDO:0021019, OMIM 300500.

Submission:

MVZ Medizinische Genetik Mainz
Classification: Uncertain significance for Ocular albinism, type I. Last evaluated: 2022-04-20. Review status: criteria provided, single submitter. Criteria: UK Practice Guidelines For Variant Classification V4 01 2020. Collection method: clinical testing. Allele origin: germline. Inheritance: Unknown mechanism. Affected: yes. Observed: 1 variant allele.
Comment: ACMG Criteria: PM2_SUP, PP2, PP3, PP4 (ACMG Version 3)

NM_000273.3(GPR143):c.706A>G (p.Arg236Gly)

Gene: GPR143 (G protein-coupled receptor 143; minus strand). Cytogenetic location: Xp22.2.
Variant type: single nucleotide variant.
Coding change: c.706A>G on transcript NM_000273.3 (MANE Select); coding-DNA position 706, A replaced by G.
Protein change: p.Arg236Gly; replaces arginine 236 with glycine.
Molecular consequence: missense variant.
Genome position (GRCh38, 1-based): chrX:9,743,626, T>C on the plus strand (A>G on the coding strand, the complement: GPR143 is on the minus strand). VCF-style: chrX-9743626-T-C. GRCh37 (hg19) VCF-style: chrX-9711666-T-C.
Other names: short protein forms R236G.
Identifiers: ClinVar variation 3234072 (VCV003234072.1), dbSNP rs2518626827, ClinGen allele CA411996902.
Genomic context (GRCh38, chrX:9,743,626, plus strand): 5'-AAATAATTAAAACCAGCATGATTTTGAAAAATCGGATCTTGATCACGGCTCCCATCCTCC[T>C]CTCGTTCTCCGTGTAAATGCCTTGTCTTCCTTTAAGTAAAGAGGCCACTGTGAAGAACAG-3'
Protein context (NP_000264.2, residues 226-246): GRQGIYTENE[Arg236Gly]RMGAVIKIRF